The following is an entry in ClinVar:

NM_001130144.3(LTBP3):c.487G>C (p.Ala163Pro)

Gene: LTBP3 (latent transforming growth factor beta binding protein 3; minus strand). Cytogenetic location: 11q13.1.
Variant type: single nucleotide variant.
Coding change: c.487G>C on transcript NM_001130144.3 (MANE Select); coding-DNA position 487, G replaced by C.
Protein change: p.Ala163Pro; replaces alanine 163 with proline.
Molecular consequence: missense variant.
Genome position (GRCh38, 1-based): chr11:65,554,225, C>G on the plus strand (G>C on the coding strand, the complement: LTBP3 is on the minus strand). VCF-style: chr11-65554225-C-G. GRCh37 (hg19) VCF-style: chr11-65321696-C-G.
Other names: c.136G>C, p.Ala46Pro (NM_001164266.1); c.487G>C, p.Ala163Pro (NM_021070.4); short protein forms A46P, A163P.
Identifiers: ClinVar variation 2562662 (VCV002562662.2), dbSNP rs2496178081, ClinGen allele CA381276525.

ClinVar aggregate classification (germline): Uncertain significance (1 of 4 stars; one submission).

Conditions:
Inborn genetic diseases. Identifiers: MedGen C0950123, MeSH D030342.

Submission:

Ambry Genetics
Classification: Uncertain significance for Inborn genetic diseases. Last evaluated: 2023-06-01. Review status: criteria provided, single submitter. Criteria: Ambry Variant Classification Scheme 2023. Collection method: clinical testing. Allele origin: germline.
Comment: The p.A163P variant (also known as c.487G>C), located in coding exon 2 of the LTBP3 gene, results from a G to C substitution at nucleotide position 487. The alanine at codon 163 is replaced by proline, an amino acid with highly similar properties. This amino acid position is conserved. In addition, this alteration is predicted to be tolerated by in silico analysis. Since supporting evidence is limited at this time, the clinical significance of this alteration remains unclear.